The following is an entry in ClinVar:

ClinVar aggregate classification (germline): Uncertain significance (1 of 4 stars; one submission).

Allele frequency attached by ClinVar (database versions not stated): gnomAD exomes below 0.00001.
gnomAD v4.1: 2 of 1,551,414 alleles (0.00013%); highest among the groups gnomAD compares: Admixed American, 0.0039%; no homozygotes.

Submission:

Labcorp Genetics (formerly Invitae), Labcorp
Classification: Uncertain significance. Last evaluated: 2023-06-06. Review status: criteria provided, single submitter. Criteria: Invitae Variant Classification Sherloc (09022015). Collection method: clinical testing. Allele origin: germline.
Comment: This sequence change replaces alanine, which is neutral and non-polar, with threonine, which is neutral and polar, at codon 2936 of the UNC80 protein (p.Ala2936Thr). This variant is present in population databases (no rsID available, gnomAD 0.004%). This variant has not been reported in the literature in individuals affected with UNC80-related conditions. Advanced modeling of protein sequence and biophysical properties (such as structural, functional, and spatial information, amino acid conservation, physicochemical variation, residue mobility, and thermodynamic stability) performed at Invitae indicates that this missense variant is not expected to disrupt UNC80 protein function. In summary, the available evidence is currently insufficient to determine the role of this variant in disease. Therefore, it has been classified as a Variant of Uncertain Significance.

NM_001371986.1(UNC80):c.9004G>A (p.Ala3002Thr)

Gene: UNC80 (unc-80 subunit of NALCN channel complex; plus strand). Cytogenetic location: 2q34.
Variant type: single nucleotide variant.
Coding change: c.9004G>A on transcript NM_001371986.1 (MANE Select); coding-DNA position 9004, G replaced by A.
Protein change: p.Ala3002Thr; replaces alanine 3002 with threonine.
Molecular consequence: missense variant.
Genome position (GRCh38, 1-based): chr2:209,978,594, G>A. VCF-style: chr2-209978594-G-A. GRCh37 (hg19) VCF-style: chr2-210843318-G-A.
Other names: c.8806G>A, p.Ala2936Thr (NM_032504.2); c.8791G>A, p.Ala2931Thr (NM_182587.4); short protein forms A3002T, A2936T, A2931T.
Identifiers: ClinVar variation 2776215 (VCV002776215.3), dbSNP rs1256611606, ClinGen allele CA350414513.
Genomic context (GRCh38, chr2:209,978,594, plus strand): 5'-CAAGGCAAGACATCCATCAGTACCGTGGGCACCTCCACCTCTGCTTACCGCCTGAGCTTG[G>A]CCACCATGTCCCGCTCTAACACGGGCACGGGCACTGTCTGGGAGCAGGACAGTGAGCCAT-3'
Protein context (NP_001358915.1, residues 2992-3012): TSTSAYRLSL[Ala3002Thr]TMSRSNTGTG